The following is an entry in ClinVar:

ClinVar aggregate classification (germline): Uncertain significance (1 of 4 stars; one submission).

Conditions:
Emery-Dreifuss muscular dystrophy (EDMD). Also called: Scapuloperoneal syndrome, X-linked (formerly); Humeroperoneal neuromuscular disease, (formerly). Identifiers: Orphanet 261, MedGen C0410189, MONDO:0016830.

Allele frequency attached by ClinVar (database versions not stated): gnomAD exomes below 0.00001; ExAC 0.00001.
gnomAD v4.1: 1 of 1,613,922 alleles (0.000062%); highest among the groups gnomAD compares: Non-Finnish European, 0.000085%; no homozygotes.

Submission:

Labcorp Genetics (formerly Invitae), Labcorp
Classification: Uncertain significance for Emery-Dreifuss muscular dystrophy. Last evaluated: 2022-08-16. Review status: criteria provided, single submitter. Criteria: Invitae Variant Classification Sherloc (09022015). Collection method: clinical testing. Allele origin: germline.
Comment: This variant has not been reported in the literature in individuals affected with SUN1-related conditions. In summary, the available evidence is currently insufficient to determine the role of this variant in disease. Therefore, it has been classified as a Variant of Uncertain Significance. Algorithms developed to predict the effect of sequence changes on RNA splicing suggest that this variant may create or strengthen a splice site. Algorithms developed to predict the effect of missense changes on protein structure and function are either unavailable or do not agree on the potential impact of this missense change (SIFT: "Deleterious"; PolyPhen-2: "Benign"; Align-GVGD: "Class C0"). ClinVar contains an entry for this variant (Variation ID: 1058023). This variant is present in population databases (rs201361158, gnomAD 0.0009%). This sequence change replaces threonine, which is neutral and polar, with alanine, which is neutral and non-polar, at codon 636 of the SUN1 protein (p.Thr636Ala).

NM_001130965.3(SUN1):c.1906A>G (p.Thr636Ala)

Gene: SUN1 (Sad1 and UNC84 domain containing 1; plus strand). Cytogenetic location: 7p22.3.
Variant type: single nucleotide variant.
Coding change: c.1906A>G on transcript NM_001130965.3 (MANE Select); coding-DNA position 1906, A replaced by G.
Protein change: p.Thr636Ala; replaces threonine 636 with alanine.
Molecular consequence: missense variant. On other transcripts: non-coding transcript variant (3).
Genome position (GRCh38, 1-based): chr7:865,993, A>G. VCF-style: chr7-865993-A-G. GRCh37 (hg19) VCF-style: chr7-905630-A-G.
Other names: c.1906A>G, p.Thr636Ala (NM_001367653.1, NM_001367633.1, NM_001367634.1); c.2116A>G, p.Thr706Ala (NM_001367655.1, NM_001367700.1); c.1192A>G, p.Thr398Ala (NM_001367658.1); c.1723A>G, p.Thr575Ala (NM_001367660.1); c.1753A>G, p.Thr585Ala (NM_001367662.1, NM_001367671.1); c.2017A>G, p.Thr673Ala (NM_001367664.1, NM_001367685.1); c.1903A>G, p.Thr635Ala (NM_001367665.1, NM_001367694.1); c.2149A>G, p.Thr717Ala (NM_001367666.1); and 43 more; short protein forms T398A, T447A, T483A, T519A, T533A, T553A, T575A, T580A.
Identifiers: ClinVar variation 1058023 (VCV001058023.9), dbSNP rs201361158, ClinGen allele CA4112423.